The following is an entry in ClinVar:

NM_001082486.2(ACD):c.932G>A (p.Ser311Asn)

Gene: ACD (ACD shelterin complex subunit and telomerase recruitment factor; minus strand). Cytogenetic location: 16q22.1.
Variant type: single nucleotide variant.
Coding change: c.932G>A on transcript NM_001082486.2 (MANE Select); coding-DNA position 932, G replaced by A.
Protein change: p.Ser311Asn; replaces serine 311 with asparagine.
Molecular consequence: missense variant.
Genome position (GRCh38, 1-based): chr16:67,658,260, C>T on the plus strand (G>A on the coding strand, the complement: ACD is on the minus strand). VCF-style: chr16-67658260-C-T. GRCh37 (hg19) VCF-style: chr16-67692163-C-T.
Other names: c.923G>A, p.Ser308Asn (NM_022914.3); short protein forms S311N, S308N.
Identifiers: ClinVar variation 1377839 (VCV001377839.9), dbSNP rs748834837, ClinGen allele CA8114479.

ClinVar aggregate classification (germline): Uncertain significance. Review status: criteria provided, multiple submitters, no conflicts (2 of 4 stars). 2 submissions from 2 submitters: Uncertain significance (2). Last evaluated 2026-01-04.

Conditions:
Inborn genetic diseases. Identifiers: MedGen C0950123, MeSH D030342.
Dyskeratosis congenita, autosomal dominant 6 (DKCA6). Identifiers: Orphanet 3322, MedGen C4225284, MONDO:0014690, OMIM 616553.

Allele frequency attached by ClinVar (database versions not stated): ExAC 0.00001; gnomAD 0.00001; gnomAD exomes 0.00001.
gnomAD v4.1: 8 of 1,613,534 alleles (0.0005%); highest among the groups gnomAD compares: East Asian, 0.011%; no homozygotes.

Submissions (2):

Labcorp Genetics (formerly Invitae), Labcorp
Classification: Uncertain significance for Dyskeratosis congenita, autosomal dominant 6. Last evaluated: 2026-01-04. Review status: criteria provided, single submitter. Criteria: Invitae Variant Classification Sherloc (09022015). Collection method: clinical testing. Allele origin: germline.
Comment: This sequence change replaces serine, which is neutral and polar, with asparagine, which is neutral and polar, at codon 397 of the ACD protein (p.Ser397Asn). This variant is present in population databases (rs748834837, gnomAD 0.01%). This variant has not been reported in the literature in individuals affected with ACD-related conditions. ClinVar contains an entry for this variant (Variation ID: 1377839). Invitae Evidence Modeling of protein sequence and biophysical properties (such as structural, functional, and spatial information, amino acid conservation, physicochemical variation, residue mobility, and thermodynamic stability) indicates that this missense variant is not expected to disrupt ACD protein function with a negative predictive value of 80%. In summary, the available evidence is currently insufficient to determine the role of this variant in disease. Therefore, it has been classified as a Variant of Uncertain Significance.

Ambry Genetics
Classification: Uncertain significance for Inborn genetic diseases. Last evaluated: 2024-10-09. Review status: criteria provided, single submitter. Criteria: Ambry Variant Classification Scheme 2023. Collection method: clinical testing. Allele origin: germline.